The following is an entry in ClinVar:

ClinVar aggregate classification (germline): Benign (1 of 4 stars; one submission).

Conditions:
Hyperlipoproteinemia, type I. Also called: Lipoprotein Lipase Deficiency; Lipase D deficiency; Familial hyperlipo-proteinemia type 1; Hyperlipemia essential familial; Familial Lipoprotein Lipase Deficiency; Hyperlipoproteinemia type 1. Identifiers: Orphanet 309015, Orphanet 444490, MedGen C0023817, MONDO:0009387, OMIM 238600. Disease mechanism: loss of function.

Allele frequency attached by ClinVar (database versions not stated): 1000 Genomes Project 30x 0.01077; 1000 Genomes Project 0.01078; gnomAD 0.00226 and 0.00168; TOPMed 0.00312.

Submission:

Illumina Laboratory Services, Illumina
Classification: Benign for Hyperlipoproteinemia, type I. Last evaluated: 2018-01-13. Review status: criteria provided, single submitter. Criteria: ICSL Variant Classification Criteria 13 December 2019. Collection method: clinical testing. Allele origin: germline.
Comment: This variant was observed in the ICSL laboratory as part of a predisposition screen in an ostensibly healthy population. It had not been previously curated by ICSL or reported in the Human Gene Mutation Database (HGMD: prior to June 1st, 2018), and was therefore a candidate for classification through an automated scoring system. Utilizing variant allele frequency, disease prevalence and penetrance estimates, and inheritance mode, an automated score was calculated to assess if this variant is too frequent to cause the disease. Based on the score and internal cut-off values, a variant classified as benign is not then subjected to further curation. The score for this variant resulted in a classification of benign for this disease.

NM_000237.3(LPL):c.*949G>A

Gene: LPL (lipoprotein lipase; plus strand). Cytogenetic location: 8p21.3.
Variant type: single nucleotide variant.
Coding change: c.*949G>A on transcript NM_000237.3 (MANE Select); 949 bases downstream of the stop codon, G replaced by A.
Molecular consequence: 3 prime UTR variant.
Genome position (GRCh38, 1-based): chr8:19,966,259, G>A. VCF-style: chr8-19966259-G-A. GRCh37 (hg19) VCF-style: chr8-19823770-G-A.
Identifiers: ClinVar variation 362434 (VCV000362434.5), dbSNP rs11570893, ClinGen allele CA10627392.